The following is an entry in ClinVar:

NM_005491.5(MAMLD1):c.1804C>A (p.Gln602Lys)

Gene: MAMLD1 (mastermind like domain containing 1; plus strand). Cytogenetic location: Xq28.
Variant type: single nucleotide variant.
Coding change: c.1804C>A on transcript NM_005491.5 (MANE Select); coding-DNA position 1804, C replaced by A.
Protein change: p.Gln602Lys; replaces glutamine 602 with lysine.
Molecular consequence: missense variant.
Genome position (GRCh38, 1-based): chrX:150,471,377, C>A. VCF-style: chrX-150471377-C-A. GRCh37 (hg19) VCF-style: chrX-149639649-C-A.
Other names: c.1729C>A, p.Gln577Lys (NM_001177466.3, NM_001400514.1, NM_001177465.3); c.1804C>A, p.Gln602Lys (NM_001400512.1, NM_001400513.1, NM_001400515.1); c.1804C>A (NM_005491.4); short protein forms Q577K, Q602K.
Identifiers: ClinVar variation 1685936 (VCV001685936.13), dbSNP rs142908182, ClinGen allele CA10538862.
Genomic context (GRCh38, chrX:150,471,377, plus strand): 5'-TCCTCAGCCACTGCCTCCTCCACGGCCACTGCCACCTTGCAGCTGCAGCAGCAGCAGCAG[C>A]AACAGCAGCAGCAGCCTGACCATTCTTCATTCCTTCTGCAGCAGATGATGCAGCAACCCC-3'
Protein context (NP_005482.2, residues 592-612): ATLQLQQQQQ[Gln602Lys]QQQQPDHSSF

ClinVar aggregate classification (germline): Conflicting classifications of pathogenicity. Review status: criteria provided, conflicting classifications (1 of 4 stars). 4 submissions from 4 submitters: Uncertain significance (2); Likely benign (1). 1 of the submissions does not count toward it. Last evaluated 2026-05-01.

Conditions:
Hypospadias 2, X-linked (HYSP2). Identifiers: Orphanet 440, MedGen C2677879, MONDO:0010423, OMIM 300758.
MAMLD1-related disorder. Also called: MAMLD1-related condition.

Allele frequency attached by ClinVar (database versions not stated): 1000 Genomes Project 0.00026; 1000 Genomes Project 30x 0.00042; gnomAD 0.00076 and 0.00077; TOPMed 0.00086; ExAC 0.00093; gnomAD exomes 0.00098 and 0.00130; ESP Exome Variant Server 0.00114.
gnomAD v4.1: 1,507 of 1,210,410 alleles (0.12%); highest among the groups gnomAD compares: Non-Finnish European, 0.14%; no homozygotes.

Submissions (4):

CeGaT Center for Human Genetics Tuebingen
Classification: Likely benign. Last evaluated: 2026-05-01. Review status: criteria provided, single submitter. Criteria: CeGaT Center For Human Genetics Tuebingen Variant Classification Criteria Version 2. Collection method: clinical testing. Allele origin: germline. Affected: yes. Observed: 3 variant alleles.
Comment: MAMLD1: BP4, BS2

Mendelics
Classification: Uncertain significance for Hypospadias 2, X-linked. Last evaluated: 2024-01-08. Review status: criteria provided, single submitter. Criteria: Mendelics Assertion Criteria 2019. Collection method: clinical testing. Allele origin: germline.

Labcorp Genetics (formerly Invitae), Labcorp
Classification: Uncertain significance. Last evaluated: 2022-09-18. Review status: criteria provided, single submitter. Criteria: Invitae Variant Classification Sherloc (09022015). Collection method: clinical testing. Allele origin: germline.
Comment: This sequence change replaces glutamine, which is neutral and polar, with lysine, which is basic and polar, at codon 602 of the MAMLD1 protein (p.Gln602Lys). The frequency data for this variant in the population databases is considered unreliable, as metrics indicate poor data quality at this position in the gnomAD database. This missense change has been observed in individual(s) with hypospadias (PMID: 20347055). This variant is also known as p.Q529K. ClinVar contains an entry for this variant (Variation ID: 1685936). Algorithms developed to predict the effect of missense changes on protein structure and function (SIFT, PolyPhen-2, Align-GVGD) all suggest that this variant is likely to be tolerated. In summary, the available evidence is currently insufficient to determine the role of this variant in disease. Therefore, it has been classified as a Variant of Uncertain Significance.

PreventionGenetics, part of Exact Sciences
Classification: Likely benign for MAMLD1-related condition. Last evaluated: 2022-03-02. Review status: no assertion criteria provided. Collection method: clinical testing. Allele origin: germline. Not counted in ClinVar's aggregate classification.
Comment: This variant is classified as likely benign based on ACMG/AMP sequence variant interpretation guidelines (Richards et al. 2015 PMID: 25741868, with internal and published modifications).

Literature cited by the submitters: PubMed 20347055 (cited by Labcorp Genetics (formerly Invitae), Labcorp).